The following is an entry in ClinVar:

ClinVar aggregate classification (germline): Benign/Likely benign. Review status: criteria provided, multiple submitters, no conflicts (2 of 4 stars). 4 submissions from 4 submitters: Benign (1); Likely benign (2). 1 of the submissions does not count toward it. Last evaluated 2024-06-19.

Conditions:
Atrioventricular septal defect 4 (AVSD4). Identifiers: MedGen C3280781, MONDO:0013747, OMIM 614430.
GATA4-related disorder. Also called: GATA4-related condition. Identifiers: MedGen CN860321.
Cardiovascular phenotype. Identifiers: MedGen CN230736.

Allele frequency attached by ClinVar (database versions not stated): gnomAD exomes 0.00005; gnomAD 0.00014; 1000 Genomes Project 30x 0.00016.
gnomAD v4.1: 53 of 1,541,498 alleles (0.0034%); highest among the groups gnomAD compares: Admixed American, 0.0039%; no homozygotes.

Submissions (4):

Blueprint Genetics
Classification: Likely benign. Last evaluated: 2024-06-19. Review status: criteria provided, single submitter. Criteria: ACMG Guidelines, 2015. Collection method: clinical testing. Allele origin: germline.

Labcorp Genetics (formerly Invitae), Labcorp
Classification: Benign for Atrioventricular septal defect 4. Last evaluated: 2021-10-27. Review status: criteria provided, single submitter. Criteria: Invitae Variant Classification Sherloc (09022015). Collection method: clinical testing. Allele origin: germline.

Ambry Genetics
Classification: Likely benign for Cardiovascular phenotype. Last evaluated: 2021-04-07. Review status: criteria provided, single submitter. Criteria: Ambry Variant Classification Scheme 2023. Collection method: clinical testing. Allele origin: germline.

PreventionGenetics, part of Exact Sciences
Classification: Likely benign for GATA4-related condition. Last evaluated: 2020-06-01. Review status: no assertion criteria provided. Collection method: clinical testing. Allele origin: germline. Not counted in ClinVar's aggregate classification.
Comment: This variant is classified as likely benign based on ACMG/AMP sequence variant interpretation guidelines (Richards et al. 2015 PMID: 25741868, with internal and published modifications).

NM_001308093.3(GATA4):c.90G>A (p.Ala30=)

Gene: GATA4 (GATA binding protein 4). Cytogenetic location: 8p23.1.
Variant type: single nucleotide variant.
Coding change: c.90G>A on transcript NM_001308093.3 (MANE Select); coding-DNA position 90, G replaced by A.
Protein change: p.Ala30=; no amino-acid change (alanine 30 retained).
Molecular consequence: synonymous variant. On other transcripts: intron variant (3).
Genome position (GRCh38, 1-based): chr8:11,708,402, G>A. VCF-style: chr8-11708402-G-A. GRCh37 (hg19) VCF-style: chr8-11565911-G-A.
Other names: c.90G>A (NM_002052.4); c.90G>A, p.Ala30= (NM_002052.5); c.-6+7624G>A (NM_001308094.2); c.-3+388G>A (NM_001374274.1); c.-3+4098G>A (NM_001374273.1).
Identifiers: ClinVar variation 1630182 (VCV001630182.13), dbSNP rs768982638, ClinGen allele CA4630604.